The following is an entry in ClinVar:

NM_153676.4(USH1C):c.2288C>T (p.Ser763Phe)

Gene: USH1C (USH1 protein network component harmonin; minus strand). Cytogenetic location: 11p15.1.
Variant type: single nucleotide variant.
Coding change: c.2288C>T on transcript NM_153676.4 (MANE Select); coding-DNA position 2288, C replaced by T.
Protein change: p.Ser763Phe; replaces serine 763 with phenylalanine.
Molecular consequence: missense variant. On other transcripts: non-coding transcript variant (1).
Genome position (GRCh38, 1-based): chr11:17,501,143, G>A on the plus strand (C>T on the coding strand, the complement: USH1C is on the minus strand). VCF-style: chr11-17501143-G-A. GRCh37 (hg19) VCF-style: chr11-17522690-G-A.
Other names: c.1388C>T (NM_005709.3); c.1331C>T, p.Ser444Phe (NM_001297764.2); c.1388C>T, p.Ser463Phe (NM_005709.4); short protein forms S463F, S763F, S444F.
Identifiers: ClinVar variation 504698 (VCV000504698.9), dbSNP rs140313023, ClinGen allele CA5904226.

ClinVar aggregate classification (germline): Uncertain significance. Review status: criteria provided, multiple submitters, no conflicts (2 of 4 stars). 4 submissions from 4 submitters: Uncertain significance (3). 1 of the submissions does not count toward it. Last evaluated 2023-06-07.

Conditions:
Inborn genetic diseases. Identifiers: MedGen C0950123, MeSH D030342.
Usher syndrome type 1C. Also called: USHER SYNDROME, TYPE I, ACADIAN VARIETY. Identifiers: Orphanet 231169, Orphanet 886, MedGen C1848604, MONDO:0010171, OMIM 276904.

Allele frequency attached by ClinVar (database versions not stated): ExAC 0.00001; gnomAD 0.00001; gnomAD exomes 0.00001; TOPMed 0.00002; ESP Exome Variant Server 0.00008.
gnomAD v4.1: 22 of 1,613,444 alleles (0.0014%); highest among the groups gnomAD compares: Non-Finnish European, 0.0017%; no homozygotes.

Submissions (4):

Ambry Genetics
Classification: Uncertain significance for Inborn genetic diseases. Last evaluated: 2023-06-07. Review status: criteria provided, single submitter. Criteria: Ambry Variant Classification Scheme 2023. Collection method: clinical testing. Allele origin: germline.

GeneDx
Classification: Uncertain significance. Last evaluated: 2022-07-05. Review status: criteria provided, single submitter. Criteria: GeneDx Variant Classification Process June 2021. Collection method: clinical testing. Allele origin: germline. Affected: yes.
Comment: Not observed at significant frequency in large population cohorts (gnomAD); In silico analysis supports that this missense variant has a deleterious effect on protein structure/function; Has not been previously published as pathogenic or benign to our knowledge

Laboratory for Molecular Medicine, Mass General Brigham Personalized Medicine
Classification: Uncertain significance. Last evaluated: 2016-11-10. Review status: criteria provided, single submitter. Criteria: LMM Criteria. Collection method: clinical testing. Allele origin: germline. Observed: 1 variant allele.
Comment: The p.Ser763Phe variant in USH1C has not been previously reported in individuals with hearing loss or Usher syndrome, but has been identified in 1/59738 Europea n chromosomes by the Exome Aggregation Consortium (ExAC; dbSNP rs140313023). Although this variant has been seen in the general population, its frequency is not high enough to rule out a pathogenic role. Comp utational prediction tools and conservation analysis do not provide strong suppo rt for or against an impact to the protein. In summary, the clinical significanc e of the p.Ser763Phe variant is uncertain.

Natera, Inc.
Classification: Uncertain significance for Usher syndrome type 1C. Last evaluated: 2019-11-11. Review status: no assertion criteria provided. Collection method: clinical testing. Allele origin: germline. Not counted in ClinVar's aggregate classification.